The following is an entry in ClinVar:

NM_000426.4(LAMA2):c.4477C>G (p.Arg1493Gly)

Gene: LAMA2 (laminin subunit alpha 2; plus strand). Cytogenetic location: 6q22.33.
Variant type: single nucleotide variant.
Coding change: c.4477C>G on transcript NM_000426.4 (MANE Select); coding-DNA position 4477, C replaced by G.
Protein change: p.Arg1493Gly; replaces arginine 1493 with glycine.
Molecular consequence: missense variant.
Genome position (GRCh38, 1-based): chr6:129,349,338, C>G. VCF-style: chr6-129349338-C-G. GRCh37 (hg19) VCF-style: chr6-129670483-C-G.
Other names: c.4477C>G, p.Arg1493Gly (NM_001079823.2); short protein forms R1493G.
Identifiers: ClinVar variation 2148908 (VCV002148908.1), dbSNP rs751053800, ClinGen allele CA365617447.

ClinVar aggregate classification (germline): Uncertain significance (1 of 4 stars; one submission).

Conditions:
LAMA2-related muscular dystrophy (LAMA2-RD). Also called: Laminin alpha 2-related dystrophy. Identifiers: MedGen C5679788, MONDO:0100228.

gnomAD v4.1: 24 of 1,613,574 alleles (0.0015%); highest among the groups gnomAD compares: Admixed American, 0.0033%; no homozygotes.

Submission:

Labcorp Genetics (formerly Invitae), Labcorp
Classification: Uncertain significance for LAMA2-related muscular dystrophy. Last evaluated: 2022-08-22. Review status: criteria provided, single submitter. Criteria: Invitae Variant Classification Sherloc (09022015). Collection method: clinical testing. Allele origin: germline.
Comment: This sequence change replaces arginine, which is basic and polar, with glycine, which is neutral and non-polar, at codon 1493 of the LAMA2 protein (p.Arg1493Gly). This variant is present in population databases (no rsID available, gnomAD 0.006%). This variant has not been reported in the literature in individuals affected with LAMA2-related conditions. Advanced modeling of protein sequence and biophysical properties (such as structural, functional, and spatial information, amino acid conservation, physicochemical variation, residue mobility, and thermodynamic stability) performed at Invitae indicates that this missense variant is not expected to disrupt LAMA2 protein function. In summary, the available evidence is currently insufficient to determine the role of this variant in disease. Therefore, it has been classified as a Variant of Uncertain Significance.